The following is an entry in ClinVar:

NM_001282225.2(ADA2):c.754-12del

Gene: ADA2 (adenosine deaminase 2; minus strand). Cytogenetic location: 22q11.1.
Variant type: Deletion.
Coding change: c.754-12del on transcript NM_001282225.2 (MANE Select); 12 bases into the intron before coding-DNA position 754, one base deleted (C; older notation c.754-12delC).
Molecular consequence: intron variant.
Genome position (GRCh38, 1-based): chr22:17,191,822, G deleted on the plus strand (C on the coding strand, the reverse complement: ADA2 is on the minus strand). VCF-style (leftmost placement, unchanged base first): chr22-17191821-AG-A. GRCh37 (hg19) VCF-style: chr22-17672711-AG-A.
Other names: c.754-12delC (NM_001282225.2); c.628-12del (NM_001282227.2, NM_001282228.2); c.394-12del (NM_001282229.2); c.754-12del (NM_001282226.2); c.31-12del (NM_177405.3).
Identifiers: ClinVar variation 1454512 (VCV001454512.11), dbSNP rs767647109, ClinGen allele CA10088093.

ClinVar aggregate classification (germline): Likely benign. Review status: criteria provided, multiple submitters, no conflicts (2 of 4 stars). 4 submissions from 4 submitters: Likely benign (4). Last evaluated 2026-01-30.

Conditions:
Sneddon syndrome (SNDNS). Also called: Idiopathic livedo reticularis with systemic involvement; LIVEDO RETICULARIS AND CEREBROVASCULAR ACCIDENTS. Identifiers: Orphanet 820, MedGen C0282492, MONDO:0008436, OMIM 182410.
Deficiency of adenosine deaminase 2. Also called: Adenosine Deaminase 2 Deficiency; Polyarteritis nodosa, childhoood-onset; VASCULITIS, AUTOINFLAMMATION, IMMUNODEFICIENCY, AND HEMATOLOGIC DEFECTS SYNDROME. Identifiers: Orphanet 404553, MedGen C3887654, MONDO:0014306, OMIM 615688, MONDO:0100317.

Allele frequency attached by ClinVar (database versions not stated): gnomAD exomes 0.00001 and 0.00002; ExAC 0.00002; TOPMed 0.00005; gnomAD 0.00006 and 0.00007.

Submissions (4):

Women's Health and Genetics/Laboratory Corporation of America, LabCorp
Classification: Likely benign. Last evaluated: 2026-01-30. Review status: criteria provided, single submitter. Criteria: LabCorp Variant Classification Summary - May 2015. Collection method: clinical testing. Allele origin: germline.
Comment: Variant summary: ADA2 c.754-12delC alters a nucleotide located at a position not widely known to affect splicing. Consensus agreement among computation tools predict no significant impact on normal splicing. However, these predictions have yet to be confirmed by functional studies. The variant allele was found at a frequency of 2.4e-05 in 247276 control chromosomes. The available data on variant occurrences in the general population are insufficient to allow any conclusion about variant significance. To our knowledge, no occurrence of c.754-12delC in individuals affected with ADA2-related conditions and no experimental evidence demonstrating its impact on protein function have been reported. ClinVar contains an entry for this variant (Variation ID: 1454512). Based on the evidence outlined above, the variant was classified as likely benign.

Labcorp Genetics (formerly Invitae), Labcorp
Classification: Likely benign for Deficiency of adenosine deaminase 2. Last evaluated: 2026-01-24. Review status: criteria provided, single submitter. Criteria: Invitae Variant Classification Sherloc (09022015). Collection method: clinical testing. Allele origin: germline.

Blueprint Genetics
Classification: Likely benign. Last evaluated: 2024-10-03. Review status: criteria provided, single submitter. Criteria: ACMG Guidelines, 2015. Collection method: clinical testing. Allele origin: germline.

Fulgent Genetics
Classification: Likely benign for Sneddon syndrome; Deficiency of adenosine deaminase 2. Last evaluated: 2021-11-30. Review status: criteria provided, single submitter. Criteria: ACMG Guidelines, 2015. Collection method: clinical testing. Allele origin: unknown.